The following is an entry in ClinVar:

ClinVar aggregate classification (germline): Likely pathogenic (0 of 4 stars; one submission).

Conditions:
GRACILE syndrome (FLNMS). Also called: FELLMAN SYNDROME; FINNISH LETHAL NEONATAL METABOLIC SYNDROME. Identifiers: Orphanet 53693, MedGen C1864002, MONDO:0011308, OMIM 603358.

Allele frequency attached by ClinVar (database versions not stated): gnomAD exomes 0.00002.
gnomAD v4.1: 17 of 1,612,194 alleles (0.0011%); highest among the groups gnomAD compares: Non-Finnish European, 0.0014%; no homozygotes.

Submission:

Juha Muilu Group; Institute for Molecular Medicine Finland (FIMM)
Classification: Likely pathogenic for GRACILE syndrome. Review status: no assertion criteria provided. Collection method: not provided. Allele origin: unknown.
Comment: FinDis database variant: This variant was not found or characterized by our laboratory, data were collected from public sources: see reference
ClinVar note: Converted during submission from probable-pathogenic to Likely pathogenic.

NM_001079866.2(BCS1L):c.980T>C (p.Val327Ala)

Gene: BCS1L (BCS1 ubiquinol-cytochrome c reductase complex chaperone; plus strand). Cytogenetic location: 2q35.
Variant type: single nucleotide variant.
Coding change: c.980T>C on transcript NM_001079866.2 (MANE Select); coding-DNA position 980, T replaced by C.
Protein change: p.Val327Ala; replaces valine 327 with alanine.
Molecular consequence: missense variant. On other transcripts: non-coding transcript variant (1).
Genome position (GRCh38, 1-based): chr2:218,662,973, T>C. VCF-style: chr2-218662973-T-C. GRCh37 (hg19) VCF-style: chr2-219527696-T-C.
Other names: c.980T>C, p.Val327Ala (NM_001257342.2, NM_001257343.2, NM_001257344.2 and 10 more transcripts); c.620T>C, p.Val207Ala (NM_001318836.2, NM_001371451.1); c.479T>C, p.Val160Ala (NM_001371452.1, NM_001371453.1, NM_001371454.1 and 3 more transcripts); short protein forms V327A, V207A, V160A.
Identifiers: ClinVar variation 56414 (VCV000056414.2), dbSNP rs386833858, ClinGen allele CA144350.